The following is an entry in ClinVar:

NM_000216.4(ANOS1):c.11G>A (p.Gly4Glu)

Gene: ANOS1 (anosmin 1; minus strand). Cytogenetic location: Xp22.31.
Variant type: single nucleotide variant.
Coding change: c.11G>A on transcript NM_000216.4 (MANE Select); coding-DNA position 11, G replaced by A.
Protein change: p.Gly4Glu; replaces glycine 4 with glutamic acid.
Molecular consequence: missense variant.
Genome position (GRCh38, 1-based): chrX:8,732,026, C>T on the plus strand (G>A on the coding strand, the complement: ANOS1 is on the minus strand). VCF-style: chrX-8732026-C-T. GRCh37 (hg19) VCF-style: chrX-8700067-C-T.
Other names: short protein forms G4E.
Identifiers: ClinVar variation 3352401 (VCV003352401.1).

ClinVar aggregate classification (germline): Uncertain significance (0 of 4 stars; one submission).

Conditions:
ANOS1-related disorder. Also called: ANOS1-related condition.

gnomAD v4.1: 3 of 994,979 alleles (0.0003%); highest among the groups gnomAD compares: Admixed American, 0.017%; no homozygotes.

Submission:

PreventionGenetics, part of Exact Sciences
Classification: Uncertain significance for ANOS1-related condition. Last evaluated: 2024-06-29. Review status: no assertion criteria provided. Collection method: clinical testing. Allele origin: germline.
Comment: The ANOS1 c.11G>A variant is predicted to result in the amino acid substitution p.Gly4Glu. To our knowledge, this variant has not been reported in the literature or in a large population database, indicating this variant is rare. At this time, the clinical significance of this variant is uncertain due to the absence of conclusive functional and genetic evidence.